The following is an entry in ClinVar:

ClinVar aggregate classification (germline): Uncertain significance (1 of 4 stars; one submission).

Conditions:
TSC2-related disorder. Also called: TSC2-Related Disorders; TSC2-related condition.

Submission:

PreventionGenetics, part of Exact Sciences
Classification: Uncertain significance for TSC2-related condition. Last evaluated: 2025-08-09. Review status: criteria provided, single submitter. Criteria: ACMG Guidelines, 2015. Collection method: clinical testing. Allele origin: germline.
Comment: The TSC2 c.5260-3C>G variant is predicted to interfere with splicing. which is predicted to interfere with normal splicing (Splice AI, Jaganathan et al. 2019. PubMed ID: 30661751). To our knowledge, this variant has not been reported in the literature or in a large population database (gnomAD), indicating this variant is rare. At this time, the clinical significance of this variant is uncertain due to the absence of conclusive functional and genetic evidence.

NM_000548.5(TSC2):c.5260-3C>G

Gene: TSC2 (TSC complex subunit 2; plus strand). Cytogenetic location: 16p13.3.
Variant type: single nucleotide variant.
Coding change: c.5260-3C>G on transcript NM_000548.5 (MANE Select); 3 bases into the intron before coding-DNA position 5260, C replaced by G.
Molecular consequence: intron variant.
Genome position (GRCh38, 1-based): chr16:2,088,443, C>G. VCF-style: chr16-2088443-C-G. GRCh37 (hg19) VCF-style: chr16-2138444-C-G.
Other names: c.3718-3C>G (NM_001406693.1, NM_001406692.1, NM_001406694.1); c.5152-3C>G (NM_001406667.1); c.5149-3C>G (NM_001406668.1); c.4660-3C>G (NM_001406680.1); c.4591-3C>G (NM_001406683.1, NM_001406682.1); c.4459-3C>G (NM_001406687.1, NM_001406688.1); c.3847-3C>G (NM_001406689.1); c.3787-3C>G (NM_001406690.1); and 27 more.
Identifiers: ClinVar variation 4992433 (VCV004992433.1).